The following is an entry in ClinVar:

ClinVar aggregate classification (germline): Uncertain significance. Review status: criteria provided, multiple submitters, no conflicts (2 of 4 stars). 2 submissions from 2 submitters: Uncertain significance (2). Last evaluated 2023-11-27.

Conditions:
DNAAF5-related disorder. Also called: DNAAF5-related condition.
Primary ciliary dyskinesia. Also called: Ciliary dyskinesia. Identifiers: Orphanet 244, MedGen C0008780, MONDO:0016575, HP:0012265.

gnomAD v4.1: 2 of 1,530,288 alleles (0.00013%); highest among the groups gnomAD compares: Non-Finnish European, 0.00018%; no homozygotes.

Submissions (2):

Labcorp Genetics (formerly Invitae), Labcorp
Classification: Uncertain significance for Primary ciliary dyskinesia. Last evaluated: 2023-11-27. Review status: criteria provided, single submitter. Criteria: Invitae Variant Classification Sherloc (09022015). Collection method: clinical testing. Allele origin: germline.
Comment: This sequence change replaces proline, which is neutral and non-polar, with alanine, which is neutral and non-polar, at codon 340 of the DNAAF5 protein (p.Pro340Ala). This variant is not present in population databases (gnomAD no frequency). This variant has not been reported in the literature in individuals affected with DNAAF5-related conditions. ClinVar contains an entry for this variant (Variation ID: 1962055). Advanced modeling of protein sequence and biophysical properties (such as structural, functional, and spatial information, amino acid conservation, physicochemical variation, residue mobility, and thermodynamic stability) performed at Invitae indicates that this missense variant is not expected to disrupt DNAAF5 protein function with a negative predictive value of 80%. In summary, the available evidence is currently insufficient to determine the role of this variant in disease. Therefore, it has been classified as a Variant of Uncertain Significance.

PreventionGenetics, part of Exact Sciences
Classification: Uncertain significance for DNAAF5-related condition. Last evaluated: 2023-08-09. Review status: criteria provided, single submitter. Criteria: ACMG Guidelines, 2015. Collection method: clinical testing. Allele origin: germline.
Comment: The DNAAF5 c.1018C>G variant is predicted to result in the amino acid substitution p.Pro340Ala. To our knowledge, this variant has not been reported in the literature or in a large population database, indicating this variant is rare. At this time, the clinical significance of this variant is uncertain due to the absence of conclusive functional and genetic evidence.

NM_017802.4(DNAAF5):c.1018C>G (p.Pro340Ala)

Gene: DNAAF5 (dynein axonemal assembly factor 5; plus strand). Cytogenetic location: 7p22.3.
Variant type: single nucleotide variant.
Coding change: c.1018C>G on transcript NM_017802.4 (MANE Select); coding-DNA position 1018, C replaced by G.
Protein change: p.Pro340Ala; replaces proline 340 with alanine.
Molecular consequence: missense variant. On other transcripts: non-coding transcript variant (1).
Genome position (GRCh38, 1-based): chr7:741,459, C>G. VCF-style: chr7-741459-C-G. GRCh37 (hg19) VCF-style: chr7-781096-C-G.
Other names: c.1018C>G (NM_017802.3); short protein forms P340A.
Identifiers: ClinVar variation 1962055 (VCV001962055.6), dbSNP rs1380705915, ClinGen allele CA366534670.